The following is an entry in ClinVar:

ClinVar aggregate classification (germline): Uncertain significance. Review status: criteria provided, multiple submitters, no conflicts (2 of 4 stars). 2 submissions from 2 submitters: Uncertain significance (2). Last evaluated 2024-12-09.

Conditions:
Deficiency of ferroxidase (ACEP). Also called: NEURODEGENERATION WITH BRAIN IRON ACCUMULATION 10; Aceruloplasminemia; Ceruloplasmin deficiency; Familial apoceruloplasmin deficiency; Hereditary ceruloplasmin deficiency; Deficiency of ceruloplasmin. Identifiers: Orphanet 48818, MedGen C0878682, MONDO:0011426, OMIM 604290, HP:0025498.

Allele frequency attached by ClinVar (database versions not stated): gnomAD exomes 0.00002 and 0.00005; TOPMed 0.00002; ExAC 0.00009; gnomAD 0.00009.

Submissions (2):

Labcorp Genetics (formerly Invitae), Labcorp
Classification: Uncertain significance for Deficiency of ferroxidase. Last evaluated: 2024-12-09. Review status: criteria provided, single submitter. Criteria: Invitae Variant Classification Sherloc (09022015). Collection method: clinical testing. Allele origin: germline.
Comment: This sequence change replaces histidine, which is basic and polar, with glutamine, which is neutral and polar, at codon 1007 of the CP protein (p.His1007Gln). This variant is present in population databases (rs775322417, gnomAD 0.02%). This variant has not been reported in the literature in individuals affected with CP-related conditions. ClinVar contains an entry for this variant (Variation ID: 1389287). An algorithm developed to predict the effect of missense changes on protein structure and function (PolyPhen-2) suggests that this variant is likely to be tolerated. In summary, the available evidence is currently insufficient to determine the role of this variant in disease. Therefore, it has been classified as a Variant of Uncertain Significance.

Breakthrough Genomics
Classification: Uncertain significance. Review status: criteria provided, single submitter. Criteria: ACMG Guidelines, 2015. Collection method: not provided. Allele origin: germline. Inheritance: Autosomal recessive inheritance. Affected: yes.

NM_000096.4(CP):c.3021C>G (p.His1007Gln)

Gene: CP (ceruloplasmin; minus strand). Cytogenetic location: 3q24.
Variant type: single nucleotide variant.
Coding change: c.3021C>G on transcript NM_000096.4 (MANE Select); coding-DNA position 3021, C replaced by G.
Protein change: p.His1007Gln; replaces histidine 1007 with glutamine.
Molecular consequence: missense variant.
Genome position (GRCh38, 1-based): chr3:149,176,410, G>C on the plus strand (C>G on the coding strand, the complement: CP is on the minus strand). VCF-style: chr3-149176410-G-C. GRCh37 (hg19) VCF-style: chr3-148894197-G-C.
Other names: short protein forms H1007Q.
Identifiers: ClinVar variation 1389287 (VCV001389287.7), dbSNP rs775322417, ClinGen allele CA2660565.
Genomic context (GRCh38, chr3:149,176,410, plus strand): 5'-TTCTAGGGTTTGGTATGTTCCAGGGAAAATGTCAAAGACATCAGAACTATAAACTCCCCT[G>C]TGCTTAATTAGAAAAATGACAAATAATGTATAATATTGTATATGAGAGTTCACTCATGTC-3'
Protein context (NP_000087.2, residues 997-1017): HFHGHSFQYK[His1007Gln]RGVYSSDVFD